The following is an entry in ClinVar:

NM_024675.4(PALB2):c.262C>G (p.Leu88Val)

Gene: PALB2 (partner and localizer of BRCA2; minus strand). Cytogenetic location: 16p12.2.
Variant type: single nucleotide variant.
Coding change: c.262C>G on transcript NM_024675.4 (MANE Select); coding-DNA position 262, C replaced by G.
Protein change: p.Leu88Val; replaces leucine 88 with valine.
Molecular consequence: missense variant.
Genome position (GRCh38, 1-based): chr16:23,636,284, G>C on the plus strand (C>G on the coding strand, the complement: PALB2 is on the minus strand). VCF-style: chr16-23636284-G-C. GRCh37 (hg19) VCF-style: chr16-23647605-G-C.
Other names: p.L88V:CTT>GTT; short protein forms L88V.
Identifiers: ClinVar variation 182782 (VCV000182782.18), dbSNP rs730881901, ClinGen allele CA299772.

ClinVar aggregate classification (germline): Uncertain significance. Review status: criteria provided, multiple submitters, no conflicts (2 of 4 stars). 5 submissions from 5 submitters: Uncertain significance (5). Last evaluated 2025-10-20.

Conditions:
PALB2-related disorder. Also called: PALB2-related condition; PALB2-related disorders.
Hereditary cancer-predisposing syndrome. Also called: Neoplastic Syndromes, Hereditary; Tumor predisposition; Hereditary neoplastic syndrome; Hereditary Cancer Syndrome. Identifiers: Orphanet 140162, MedGen C0027672, MeSH D009386, MONDO:0015356.
Familial cancer of breast. Also called: Hereditary breast cancer; BREAST CANCER, FAMILIAL; hereditary breast carcinoma. Identifiers: Orphanet 227535, MedGen C0346153, MONDO:0016419, OMIM 114480. Disease mechanism: loss of function.

Submissions (5):

Labcorp Genetics (formerly Invitae), Labcorp
Classification: Uncertain significance for Familial cancer of breast. Last evaluated: 2025-10-20. Review status: criteria provided, single submitter. Criteria: Invitae Variant Classification Sherloc (09022015). Collection method: clinical testing. Allele origin: germline.
Comment: This sequence change replaces leucine, which is neutral and non-polar, with valine, which is neutral and non-polar, at codon 88 of the PALB2 protein (p.Leu88Val). This variant is not present in population databases (gnomAD no frequency). This variant has not been reported in the literature in individuals affected with PALB2-related conditions. ClinVar contains an entry for this variant (Variation ID: 182782). An algorithm developed to predict the effect of missense changes on protein structure and function outputs the following: PolyPhen-2: "Benign". The valine amino acid residue is found in multiple mammalian species, which suggests that this missense change does not adversely affect protein function. In summary, the available evidence is currently insufficient to determine the role of this variant in disease. Therefore, it has been classified as a Variant of Uncertain Significance.

PreventionGenetics, part of Exact Sciences
Classification: Uncertain significance for PALB2-related condition. Last evaluated: 2024-11-20. Review status: criteria provided, single submitter. Criteria: ACMG Guidelines, 2015. Collection method: clinical testing. Allele origin: germline.
Comment: The PALB2 c.262C>G variant is predicted to result in the amino acid substitution p.Leu88Val. To our knowledge, this variant has not been reported in the literature or in a large population database (gnomAD), indicating this variant is rare. This variant is classified as having uncertain clinical significance in ClinVar. At this time, the clinical significance of this variant is uncertain due to the absence of conclusive functional and genetic evidence.

Baylor Genetics
Classification: Uncertain significance for Familial cancer of breast. Last evaluated: 2024-02-16. Review status: criteria provided, single submitter. Criteria: ACMG Guidelines, 2015. Collection method: clinical testing. Allele origin: unknown.

GeneDx
Classification: Uncertain significance. Last evaluated: 2023-12-03. Review status: criteria provided, single submitter. Criteria: GeneDx Variant Classification Process June 2021. Collection method: clinical testing. Allele origin: germline. Affected: yes.
Comment: Not observed at significant frequency in large population cohorts (gnomAD); In silico analysis supports that this missense variant does not alter protein structure/function; Has not been previously published as pathogenic or benign to our knowledge; This variant is associated with the following publications: (PMID: 20871615, 19369211)

Ambry Genetics
Classification: Uncertain significance for Hereditary cancer-predisposing syndrome. Last evaluated: 2023-11-15. Review status: criteria provided, single submitter. Criteria: Ambry Variant Classification Scheme 2023. Collection method: clinical testing. Allele origin: germline.
Comment: The p.L88V variant (also known as c.262C>G), located in coding exon 4 of the PALB2 gene, results from a C to G substitution at nucleotide position 262. The leucine at codon 88 is replaced by valine, an amino acid with highly similar properties. This amino acid position is not well conserved in available vertebrate species. In addition, this alteration is predicted to be tolerated by in silico analysis. Since supporting evidence is limited at this time, the clinical significance of this alteration remains unclear.